The following is an entry in ClinVar:

ClinVar aggregate classification (germline): Pathogenic (1 of 4 stars; one submission).

Submission:

CeGaT Center for Human Genetics Tuebingen
Classification: Pathogenic. Last evaluated: 2026-09-01. Review status: criteria provided, single submitter. Criteria: CeGaT Center For Human Genetics Tuebingen Variant Classification Criteria Version 2. Collection method: clinical testing. Allele origin: germline. Affected: yes. Observed: 1 variant allele.
Comment: TTC19: PVS1, PM2

NM_017775.4(TTC19):c.302dup (p.Arg102fs)

Gene: TTC19 (tetratricopeptide repeat domain 19; plus strand). Cytogenetic location: 17p12.
Variant type: Duplication.
Coding change: c.302dup on transcript NM_017775.4 (MANE Select); coding-DNA position 302, one base duplicated (A; older notation c.302dupA).
Protein change: p.Arg102fs; shifts the reading frame from arginine 102.
Molecular consequence: frameshift variant. On other transcripts: 5 prime UTR variant (1).
Genome position (GRCh38, 1-based): chr17:16,000,235, A duplicated; the last of 2 consecutive A bases (chr17:16,000,234-16,000,235); duplicating either gives the same sequence. VCF-style (leftmost placement, unchanged base first): chr17-16000233-G-GA. GRCh37 (hg19) VCF-style: chr17-15903547-G-GA.
Other names: c.-157dup (NM_001271420.2); short protein forms R102fs.
Identifiers: ClinVar variation 5041129 (VCV005041129.1).
Genomic context (GRCh38, chr17:16,000,233, plus strand): 5'-CGACGGGGCCGCTGCCGAGGACGGGGCGGACGAGGCCGAGGCAGAGATCATCCAGCTGCT[G>GA]AAGCGAGCCAAGGTGAGGCGGCTCCGGGCCCTGCGCCCGGCCGAGCGCGGTAGCCTTTGT-3'